The following is an entry in ClinVar:

ClinVar aggregate classification (germline): Uncertain significance (1 of 4 stars; one submission).

Conditions:
Juvenile polyposis syndrome (JPS). Identifiers: Orphanet 2929, MedGen C0345893, MONDO:0017380, OMIM 174900.

Submission:

Labcorp Genetics (formerly Invitae), Labcorp
Classification: Uncertain significance for Juvenile polyposis syndrome. Last evaluated: 2022-09-22. Review status: criteria provided, single submitter. Criteria: Invitae Variant Classification Sherloc (09022015). Collection method: clinical testing. Allele origin: germline.
Comment: This sequence change replaces glutamic acid, which is acidic and polar, with aspartic acid, which is acidic and polar, at codon 197 of the BMPR1A protein (p.Glu197Asp). This variant is not present in population databases (gnomAD no frequency). This variant has not been reported in the literature in individuals affected with BMPR1A-related conditions. Advanced modeling of protein sequence and biophysical properties (such as structural, functional, and spatial information, amino acid conservation, physicochemical variation, residue mobility, and thermodynamic stability) performed at Invitae indicates that this missense variant is not expected to disrupt BMPR1A protein function. In summary, the available evidence is currently insufficient to determine the role of this variant in disease. Therefore, it has been classified as a Variant of Uncertain Significance.

NM_004329.3(BMPR1A):c.591A>T (p.Glu197Asp)

Gene: BMPR1A (bone morphogenetic protein receptor type 1A; plus strand). Cytogenetic location: 10q23.2.
Variant type: single nucleotide variant.
Coding change: c.591A>T on transcript NM_004329.3 (MANE Select); coding-DNA position 591, A replaced by T.
Protein change: p.Glu197Asp; replaces glutamic acid 197 with aspartic acid.
Molecular consequence: missense variant.
Genome position (GRCh38, 1-based): chr10:86,912,300, A>T. VCF-style: chr10-86912300-A-T. GRCh37 (hg19) VCF-style: chr10-88672057-A-T.
Other names: c.666A>T, p.Glu222Asp (NM_001406559.1); c.639A>T, p.Glu213Asp (NM_001406560.1); c.591A>T, p.Glu197Asp (NM_001406561.1, NM_001406562.1, NM_001406563.1 and 20 more transcripts); c.507A>T, p.Glu169Asp (NM_001406584.1, NM_001406585.1, NM_001406586.1 and 2 more transcripts); short protein forms E169D, E197D, E213D, E222D.
Identifiers: ClinVar variation 1720051 (VCV001720051.6), dbSNP rs2133544983, ClinGen allele CA377454627.